The following is an entry in ClinVar:

NM_032447.5(FBN3):c.4143G>A (p.Ala1381=)

Gene: FBN3 (fibrillin 3; minus strand). Cytogenetic location: 19p13.2.
Variant type: single nucleotide variant.
Coding change: c.4143G>A on transcript NM_032447.5 (MANE Select); coding-DNA position 4143, G replaced by A.
Protein change: p.Ala1381=; no amino-acid change (alanine 1381 retained).
Molecular consequence: synonymous variant.
Genome position (GRCh38, 1-based): chr19:8,111,125, C>T on the plus strand (G>A on the coding strand, the complement: FBN3 is on the minus strand). VCF-style: chr19-8111125-C-T. GRCh37 (hg19) VCF-style: chr19-8176009-C-T.
Other names: c.4143G>A (NM_001321431.1); c.4143G>A, p.Ala1381= (NM_001321431.2).
Identifiers: ClinVar variation 1643478 (VCV001643478.11), dbSNP rs17160196, ClinGen allele CA9152164.

ClinVar aggregate classification (germline): Benign. Review status: criteria provided, multiple submitters, no conflicts (2 of 4 stars). 3 submissions from 3 submitters: Benign (2). 1 of the submissions does not count toward it. Last evaluated 2026-02-03.

Conditions:
FBN3-related disorder. Also called: FBN3-related condition.

Allele frequency attached by ClinVar (database versions not stated): 1000 Genomes Project 30x 0.09838; 1000 Genomes Project 0.09924; ESP Exome Variant Server 0.10249; TOPMed 0.10373; gnomAD exomes 0.10591; ExAC 0.10594.
gnomAD v4.1: 175,850 of 1,612,692 alleles (11%); highest among the groups gnomAD compares: East Asian, 16%; 10,062 homozygotes.

Submissions (3):

Labcorp Genetics (formerly Invitae), Labcorp
Classification: Benign. Last evaluated: 2026-02-03. Review status: criteria provided, single submitter. Criteria: Invitae Variant Classification Sherloc (09022015). Collection method: clinical testing. Allele origin: germline.

Breakthrough Genomics
Classification: Benign. Review status: criteria provided, single submitter. Criteria: ACMG Guidelines, 2015. Collection method: not provided. Allele origin: germline. Inheritance: Unknown mechanism. Affected: yes.

PreventionGenetics, part of Exact Sciences
Classification: Benign for FBN3-related condition. Last evaluated: 2019-11-12. Review status: no assertion criteria provided. Collection method: clinical testing. Allele origin: germline. Not counted in ClinVar's aggregate classification.
Comment: This variant is classified as benign based on ACMG/AMP sequence variant interpretation guidelines (Richards et al. 2015 PMID: 25741868, with internal and published modifications).